The following is an entry in ClinVar:

ClinVar aggregate classification (germline): Uncertain significance. Review status: criteria provided, multiple submitters, no conflicts (2 of 4 stars). 2 submissions from 2 submitters: Uncertain significance (2). Last evaluated 2024-09-12.

Allele frequency attached by ClinVar (database versions not stated): ExAC 0.00002; gnomAD 0.00005; ESP Exome Variant Server 0.00008.
gnomAD v4.1: 36 of 1,608,992 alleles (0.0022%); highest among the groups gnomAD compares: Middle Eastern, 0.066%; no homozygotes.

Submissions (2):

Ambry Genetics
Classification: Uncertain significance. Last evaluated: 2024-09-12. Review status: criteria provided, single submitter. Criteria: Ambry Variant Classification Scheme 2023. Collection method: clinical testing. Allele origin: germline.

Labcorp Genetics (formerly Invitae), Labcorp
Classification: Uncertain significance. Last evaluated: 2022-10-17. Review status: criteria provided, single submitter. Criteria: Invitae Variant Classification Sherloc (09022015). Collection method: clinical testing. Allele origin: germline.
Comment: This sequence change replaces valine, which is neutral and non-polar, with isoleucine, which is neutral and non-polar, at codon 190 of the IMPAD1 protein (p.Val190Ile). This variant is present in population databases (rs376319160, gnomAD 0.01%). This variant has not been reported in the literature in individuals affected with IMPAD1-related conditions. Algorithms developed to predict the effect of missense changes on protein structure and function are either unavailable or do not agree on the potential impact of this missense change (SIFT: "Deleterious"; PolyPhen-2: "Probably Damaging"; Align-GVGD: "Class C0"). In summary, the available evidence is currently insufficient to determine the role of this variant in disease. Therefore, it has been classified as a Variant of Uncertain Significance.

NM_017813.5(BPNT2):c.568G>A (p.Val190Ile)

Gene: BPNT2 (3'(2'), 5'-bisphosphate nucleotidase 2; minus strand). Cytogenetic location: 8q12.1.
Variant type: single nucleotide variant.
Coding change: c.568G>A on transcript NM_017813.5 (MANE Select); coding-DNA position 568, G replaced by A.
Protein change: p.Val190Ile; replaces valine 190 with isoleucine.
Molecular consequence: missense variant.
Genome position (GRCh38, 1-based): chr8:56,978,128, C>T on the plus strand (G>A on the coding strand, the complement: BPNT2 is on the minus strand). VCF-style: chr8-56978128-C-T. GRCh37 (hg19) VCF-style: chr8-57890687-C-T.
Other names: c.568G>A (NM_017813.3); short protein forms V190I.
Identifiers: ClinVar variation 2161381 (VCV002161381.2), dbSNP rs376319160, ClinGen allele CA4755876.
Genomic context (GRCh38, chr8:56,978,128, plus strand): 5'-GCTTATGTATAACTCCTAGCATGGGTTTACCATTTACAGCCACACACACCATAGTAGTGA[C>T]GTACTTTCGAAGATCCTCTATGAGAAAAAAAACAAAACAACACACACAAATGTCAAAGTA-3'
Protein context (NP_060283.3, residues 180-200): QEYTEDLRKY[Val190Ile]TTMVCVAVNG